The following is an entry in ClinVar:

ClinVar aggregate classification (germline): Uncertain significance (1 of 4 stars; one submission).

Submission:

Labcorp Genetics (formerly Invitae), Labcorp
Classification: Uncertain significance. Last evaluated: 2022-06-29. Review status: criteria provided, single submitter. Criteria: Invitae Variant Classification Sherloc (09022015). Collection method: clinical testing. Allele origin: germline.
Comment: In summary, the available evidence is currently insufficient to determine the role of this variant in disease. Therefore, it has been classified as a Variant of Uncertain Significance. Algorithms developed to predict the effect of missense changes on protein structure and function are either unavailable or do not agree on the potential impact of this missense change (SIFT: "Deleterious"; PolyPhen-2: "Probably Damaging"; Align-GVGD: "Class C0"). This variant has not been reported in the literature in individuals affected with PLOD2-related conditions. This variant is not present in population databases (gnomAD no frequency). This sequence change replaces glutamic acid, which is acidic and polar, with lysine, which is basic and polar, at codon 605 of the PLOD2 protein (p.Glu605Lys).

NM_182943.3(PLOD2):c.1813G>A (p.Glu605Lys)

Gene: PLOD2 (procollagen-lysine,2-oxoglutarate 5-dioxygenase 2; minus strand). Cytogenetic location: 3q24.
Variant type: single nucleotide variant.
Coding change: c.1813G>A on transcript NM_182943.3 (MANE Select); coding-DNA position 1813, G replaced by A.
Protein change: p.Glu605Lys; replaces glutamic acid 605 with lysine.
Molecular consequence: missense variant.
Genome position (GRCh38, 1-based): chr3:146,072,596, C>T on the plus strand (G>A on the coding strand, the complement: PLOD2 is on the minus strand). VCF-style: chr3-146072596-C-T. GRCh37 (hg19) VCF-style: chr3-145790383-C-T.
Other names: c.1750G>A, p.Glu584Lys (NM_000935.3); short protein forms E584K, E605K.
Identifiers: ClinVar variation 2012349 (VCV002012349.4), dbSNP rs1559831570, ClinGen allele CA354884222.